The following is an entry in ClinVar:

NM_002335.4(LRP5):c.2784C>T (p.Cys928=)

Gene: LRP5 (LDL receptor related protein 5; plus strand). Cytogenetic location: 11q13.2.
Variant type: single nucleotide variant.
Coding change: c.2784C>T on transcript NM_002335.4 (MANE Select); coding-DNA position 2784, C replaced by T.
Protein change: p.Cys928=; no amino-acid change (cysteine 928 retained).
Molecular consequence: synonymous variant.
Genome position (GRCh38, 1-based): chr11:68,413,969, C>T. VCF-style: chr11-68413969-C-T. GRCh37 (hg19) VCF-style: chr11-68181437-C-T.
Other names: c.2784C>T (NM_002335.3); c.1041C>T, p.Cys347= (NM_001291902.2).
Identifiers: ClinVar variation 2969154 (VCV002969154.11), dbSNP rs369623848, ClinGen allele CA6149736.

ClinVar aggregate classification (germline): Likely benign. Review status: criteria provided, multiple submitters, no conflicts (2 of 4 stars). 4 submissions from 4 submitters: Likely benign (3). 1 of the submissions does not count toward it. Last evaluated 2025-12-01.

Conditions:
LRP5-related disorder. Also called: LRP5-related condition.

Allele frequency attached by ClinVar (database versions not stated): ExAC 0.00003; gnomAD 0.00005; TOPMed 0.00005; ESP Exome Variant Server 0.00008.
gnomAD v4.1: 69 of 1,606,804 alleles (0.0043%); highest among the groups gnomAD compares: African/African-American, 0.012%; no homozygotes.

Submissions (4):

CeGaT Center for Human Genetics Tuebingen
Classification: Likely benign. Last evaluated: 2025-12-01. Review status: criteria provided, single submitter. Criteria: CeGaT Center For Human Genetics Tuebingen Variant Classification Criteria Version 2. Collection method: clinical testing. Allele origin: germline. Affected: yes. Observed: 1 variant allele.
Comment: LRP5: BP4, BP7

Labcorp Genetics (formerly Invitae), Labcorp
Classification: Likely benign. Last evaluated: 2025-08-11. Review status: criteria provided, single submitter. Criteria: Invitae Variant Classification Sherloc (09022015). Collection method: clinical testing. Allele origin: germline.

Blueprint Genetics
Classification: Likely benign. Last evaluated: 2023-08-14. Review status: criteria provided, single submitter. Criteria: ACMG Guidelines, 2015. Collection method: clinical testing. Allele origin: germline.

PreventionGenetics, part of Exact Sciences
Classification: Likely benign for LRP5-related condition. Last evaluated: 2019-05-07. Review status: no assertion criteria provided. Collection method: clinical testing. Allele origin: germline. Not counted in ClinVar's aggregate classification.
Comment: This variant is classified as likely benign based on ACMG/AMP sequence variant interpretation guidelines (Richards et al. 2015 PMID: 25741868, with internal and published modifications).